The following is an entry in ClinVar:

NM_004990.4(MARS1):c.1968-8C>T

Gene: MARS1 (methionyl-tRNA synthetase 1; plus strand). Cytogenetic location: 12q13.3.
Variant type: single nucleotide variant.
Coding change: c.1968-8C>T on transcript NM_004990.4 (MANE Select); 8 bases into the intron before coding-DNA position 1968, C replaced by T.
Molecular consequence: intron variant.
Genome position (GRCh38, 1-based): chr12:57,514,712, C>T. VCF-style: chr12-57514712-C-T. GRCh37 (hg19) VCF-style: chr12-57908495-C-T.
Identifiers: ClinVar variation 580398 (VCV000580398.8), dbSNP rs1209991469, ClinGen allele CA605311804.
Genomic context (GRCh38, chr12:57,514,712, plus strand): 5'-TCTAACAAGGAGACGGGATAATAACTTCCCCTCTTTTTTCCACTTCTGCTTTCCTACTCC[C>T]AACCAAGAGCTGGGATGTTTGTGTCTAAGTTCTTTGGGGGCTATGTGCCTGAGATGGTGC-3'

ClinVar aggregate classification (germline): Uncertain significance (1 of 4 stars; one submission).

Conditions:
Severe early-onset pulmonary alveolar proteinosis due to MARS deficiency. Also called: PULMONARY ALVEOLAR PROTEINOSIS, REUNION ISLAND; Interstitial lung and liver disease. Identifiers: Orphanet 440427, MedGen C4225400, MONDO:0014206, OMIM 615486.
Charcot-Marie-Tooth disease axonal type 2U. Also called: CHARCOT-MARIE-TOOTH NEUROPATHY, TYPE 2U; CHARCOT-MARIE-TOOTH DISEASE, AXONAL, AUTOSOMAL DOMINANT, TYPE 2U. Identifiers: Orphanet 397735, MedGen C4084821, MONDO:0014566, OMIM 616280.

Allele frequency attached by ClinVar (database versions not stated): gnomAD exomes below 0.00001 and 0.00001; gnomAD 0.00001; TOPMed 0.00001.
gnomAD v4.1: 13 of 1,613,916 alleles (0.00081%); highest among the groups gnomAD compares: Non-Finnish European, 0.0011%; no homozygotes.

Submission:

Labcorp Genetics (formerly Invitae), Labcorp
Classification: Uncertain significance for Charcot-Marie-Tooth disease axonal type 2U; Severe early-onset pulmonary alveolar proteinosis due to MARS deficiency. Last evaluated: 2018-01-09. Review status: criteria provided, single submitter. Criteria: Invitae Variant Classification Sherloc (09022015). Collection method: clinical testing. Allele origin: germline.
Comment: In summary, the available evidence is currently insufficient to determine the role of this variant in disease. Therefore, it has been classified as a Variant of Uncertain Significance. Algorithms developed to predict the effect of sequence changes on RNA splicing suggest that this variant may disrupt the consensus splice site, but this prediction has not been confirmed by published transcriptional studies. This variant has not been reported in the literature in individuals with MARS-related disease. This variant is not present in population databases (ExAC no frequency). This sequence change falls in intron 15 of the MARS gene. It does not directly change the encoded amino acid sequence of the MARS protein.